The following is an entry in ClinVar:

ClinVar aggregate classification (germline): Likely benign. Review status: criteria provided, single submitter (1 of 4 stars). 2 submissions from 2 submitters: Likely benign (1). 1 of the submissions does not count toward it. Last evaluated 2022-08-31.

Conditions:
AR-related disorder. Also called: AR-related condition.
Androgen resistance syndrome (AIS). Also called: Androgen insensitivity syndrome; Androgen insensitivity syndrome due to coactivator deficiency; DHTR DEFICIENCY; ANDROGEN RECEPTOR DEFICIENCY; DIHYDROTESTOSTERONE RECEPTOR DEFICIENCY; Androgen insensitivity, complete. Identifiers: Orphanet 754, Orphanet 99429, MedGen C0039585, MONDO:0019154, OMIM 300068. Disease mechanism: loss of function.
Kennedy disease (SMAX1). Also called: Spinal and Bulbar Muscular Atrophy; SPINAL AND BULBAR MUSCULAR ATROPHY, X-LINKED 1; KENNEDY SPINAL AND BULBAR MUSCULAR ATROPHY. Identifiers: Orphanet 481, MedGen C1839259, MONDO:0010735, OMIM 313200.

Allele frequency attached by ClinVar (database versions not stated): gnomAD 0.00001.

Submissions (2):

Labcorp Genetics (formerly Invitae), Labcorp
Classification: Likely benign for Kennedy disease; Androgen resistance syndrome. Last evaluated: 2022-08-31. Review status: criteria provided, single submitter. Criteria: Invitae Variant Classification Sherloc (09022015). Collection method: clinical testing. Allele origin: germline.

PreventionGenetics, part of Exact Sciences
Classification: Likely benign for AR-related condition. Last evaluated: 2019-05-01. Review status: no assertion criteria provided. Collection method: clinical testing. Allele origin: germline. Not counted in ClinVar's aggregate classification.
Comment: This variant is classified as likely benign based on ACMG/AMP sequence variant interpretation guidelines (Richards et al. 2015 PMID: 25741868, with internal and published modifications).

NM_000044.6(AR):c.732G>T (p.Ser244=)

Gene: AR (androgen receptor; plus strand). Cytogenetic location: Xq12.
Variant type: single nucleotide variant.
Coding change: c.732G>T on transcript NM_000044.6 (MANE Select); coding-DNA position 732, G replaced by T.
Protein change: p.Ser244=; no amino-acid change (serine 244 retained).
Molecular consequence: synonymous variant. On other transcripts: 5 prime UTR variant (1).
Genome position (GRCh38, 1-based): chrX:67,545,878, G>T. VCF-style: chrX-67545878-G-T. GRCh37 (hg19) VCF-style: chrX-66765720-G-T.
Other names: c.732G>T (NM_000044.3); c.-1052G>T (NM_001011645.3); c.732G>T, p.Ser244= (NM_001348061.1, NM_001348063.1, NM_001348064.1).
Identifiers: ClinVar variation 2193825 (VCV002193825.6), dbSNP rs551440893, ClinGen allele CA330757138.